The following is an entry in ClinVar:

ClinVar aggregate classification (germline): Uncertain significance (1 of 4 stars; one submission).

Conditions:
Amyotrophic lateral sclerosis type 8 (ALS8). Identifiers: Orphanet 803, MedGen C1837728, MONDO:0012077, OMIM 608627.
Adult-onset proximal spinal muscular atrophy, autosomal dominant. Also called: FINKEL LATE-ADULT TYPE SMA; Spinal muscular atrophy, late-onset, finkel type. Identifiers: Orphanet 209335, MedGen C1854058, MONDO:0008453, OMIM 182980.

Submission:

Labcorp Genetics (formerly Invitae), Labcorp
Classification: Uncertain significance for Adult-onset proximal spinal muscular atrophy, autosomal dominant; Amyotrophic lateral sclerosis type 8. Last evaluated: 2024-12-30. Review status: criteria provided, single submitter. Criteria: Invitae Variant Classification Sherloc (09022015). Collection method: clinical testing. Allele origin: germline.
Comment: This sequence change falls in intron 4 of the VAPB gene. It does not directly change the encoded amino acid sequence of the VAPB protein. It affects a nucleotide within the consensus splice site. The frequency data for this variant in the population databases is considered unreliable, as metrics indicate poor data quality at this position in the gnomAD database. This variant has not been reported in the literature in individuals affected with VAPB-related conditions. Variants that disrupt the consensus splice site are a relatively common cause of aberrant splicing (PMID: 17576681, 9536098). Algorithms developed to predict the effect of sequence changes on RNA splicing suggest that this variant is not likely to affect RNA splicing. In summary, the available evidence is currently insufficient to determine the role of this variant in disease. Therefore, it has been classified as a Variant of Uncertain Significance.

Literature cited by the submitters: PubMed 17576681; PubMed 9536098.

NM_004738.5(VAPB):c.397-3C>T

Gene: VAPB (VAMP associated protein B and C; plus strand). Cytogenetic location: 20q13.32.
Variant type: single nucleotide variant.
Coding change: c.397-3C>T on transcript NM_004738.5 (MANE Select); 3 bases into the intron before coding-DNA position 397, C replaced by T.
Molecular consequence: intron variant.
Genome position (GRCh38, 1-based): chr20:58,440,904, C>T. VCF-style: chr20-58440904-C-T. GRCh37 (hg19) VCF-style: chr20-57015960-C-T.
Other names: c.212-3173C>T (NM_001195677.2).
Identifiers: ClinVar variation 3748949 (VCV003748949.2).